The following is an entry in ClinVar:

ClinVar aggregate classification (germline): Conflicting classifications of pathogenicity. Review status: criteria provided, conflicting classifications (1 of 4 stars). 11 submissions from 11 submitters: Uncertain significance (1); Benign (2); Likely benign (6). 2 of the submissions do not count toward it. Last evaluated 2026-08-01.

Conditions:
GRIN2A-related complex neurodevelopmental disorder. Also called: GRIN2A-related condition; GRIN2A-related disorder. Identifiers: MedGen CN379781, MONDO:1060139.
Inborn genetic diseases. Identifiers: MedGen C0950123, MeSH D030342.
Landau-Kleffner syndrome (FESD). Also called: APHASIA, ACQUIRED, WITH EPILEPSY; EPILEPSY, FOCAL, WITH SPEECH DISORDER AND WITH OR WITHOUT MENTAL RETARDATION. Identifiers: Orphanet 1945, Orphanet 725, Orphanet 98818, MedGen C0282512, MONDO:0009509, OMIM 245570.

Allele frequency attached by ClinVar (database versions not stated): 1000 Genomes Project 30x 0.00016; 1000 Genomes Project 0.00020; ExAC 0.00048; gnomAD exomes 0.00052 and 0.00107; gnomAD 0.00056 and 0.00059; TOPMed 0.00062; ESP Exome Variant Server 0.00085.
gnomAD v4.1: 1,621 of 1,614,040 alleles (0.1%); highest among the groups gnomAD compares: Non-Finnish European, 0.13%; 2 homozygotes.

Submissions (11):

CeGaT Center for Human Genetics Tuebingen
Classification: Likely benign. Last evaluated: 2026-08-01. Review status: criteria provided, single submitter. Criteria: CeGaT Center For Human Genetics Tuebingen Variant Classification Criteria Version 2. Collection method: clinical testing. Allele origin: germline. Affected: yes. Observed: 11 variant alleles.
Comment: GRIN2A: BP4, BP7, BS1

Labcorp Genetics (formerly Invitae), Labcorp
Classification: Likely benign for Landau-Kleffner syndrome. Last evaluated: 2026-01-26. Review status: criteria provided, single submitter. Criteria: Invitae Variant Classification Sherloc (09022015). Collection method: clinical testing. Allele origin: germline.

PreventionGenetics, part of Exact Sciences
Classification: Likely benign for GRIN2A-related condition. Last evaluated: 2025-04-17. Review status: criteria provided, single submitter. Criteria: ACMG Guidelines, 2015. Collection method: clinical testing. Allele origin: germline.
Comment: This variant is classified as likely benign based on ACMG/AMP sequence variant interpretation guidelines (Richards et al. 2015 PMID: 25741868, with internal and published modifications).

Blueprint Genetics
Classification: Likely benign. Last evaluated: 2024-09-17. Review status: criteria provided, single submitter. Criteria: ACMG Guidelines, 2015. Collection method: clinical testing. Allele origin: germline.

Eurofins Ntd Llc (ga)
Classification: Uncertain significance. Last evaluated: 2018-06-07. Review status: criteria provided, single submitter. Criteria: EGL ClinVar v180209 classification definitions. Collection method: clinical testing. Allele origin: germline. Observed: 1 variant allele, 1 heterozygote.

Illumina Laboratory Services, Illumina
Classification: Benign for Landau-Kleffner syndrome. Last evaluated: 2018-01-12. Review status: criteria provided, single submitter. Criteria: ICSL Variant Classification Criteria 13 December 2019. Collection method: clinical testing. Allele origin: germline.
Comment: This variant was observed in the ICSL laboratory as part of a predisposition screen in an ostensibly healthy population. It had not been previously curated by ICSL or reported in the Human Gene Mutation Database (HGMD: prior to June 1st, 2018), and was therefore a candidate for classification through an automated scoring system. Utilizing variant allele frequency, disease prevalence and penetrance estimates, and inheritance mode, an automated score was calculated to assess if this variant is too frequent to cause the disease. Based on the score and internal cut-off values, a variant classified as benign is not then subjected to further curation. The score for this variant resulted in a classification of benign for this disease.

Ambry Genetics
Classification: Likely benign for Inborn genetic diseases. Last evaluated: 2016-11-22. Review status: criteria provided, single submitter. Criteria: Ambry Variant Classification Scheme 2023. Collection method: clinical testing. Allele origin: germline.

Genome Diagnostics Laboratory, University Medical Center Utrecht
Classification: Likely benign for Landau-Kleffner syndrome. Last evaluated: 2016-08-19. Review status: criteria provided, single submitter. Criteria: ACGS Guidelines, 2013. Collection method: clinical testing. Allele origin: germline. Affected: yes. Study: VKGL Data-share Consensus.

GeneDx
Classification: Benign. Last evaluated: 2014-03-20. Review status: criteria provided, single submitter. Criteria: GeneDx Variant Classification (06012015). Collection method: clinical testing. Allele origin: germline. Affected: yes.
Comment: This variant is considered likely benign or benign based on one or more of the following criteria: it is a conservative change, it occurs at a poorly conserved position in the protein, it is predicted to be benign by multiple in silico algorithms, and/or has population frequency not consistent with disease.

Diagnostic Laboratory, Department of Genetics, University Medical Center Groningen
Classification: Likely benign for Landau-Kleffner syndrome. Review status: no assertion criteria provided. Collection method: clinical testing. Allele origin: germline. Affected: yes. Study: VKGL Data-share Consensus. Not counted in ClinVar's aggregate classification.

Genetic Services Laboratory, University of Chicago
Classification: Likely benign for AllHighlyPenetrant. Review status: no assertion criteria provided. Collection method: clinical testing. Allele origin: germline. Inheritance: Autosomal dominant inheritance. Not counted in ClinVar's aggregate classification.
Comment: Likely benign based on allele frequency in 1000 Genomes Project or ESP global frequency and its presence in a patient with a rare or unrelated disease phenotype. NOT Sanger confirmed.

NM_001134407.3(GRIN2A):c.2883C>T (p.Asn961=)

Gene: GRIN2A (glutamate ionotropic receptor NMDA type subunit 2A; minus strand). Cytogenetic location: 16p13.2.
Variant type: single nucleotide variant.
Coding change: c.2883C>T on transcript NM_001134407.3 (MANE Select); coding-DNA position 2883, C replaced by T.
Protein change: p.Asn961=; no amino-acid change (asparagine 961 retained).
Molecular consequence: synonymous variant.
Genome position (GRCh38, 1-based): chr16:9,764,661, G>A on the plus strand (C>T on the coding strand, the complement: GRIN2A is on the minus strand). VCF-style: chr16-9764661-G-A. GRCh37 (hg19) VCF-style: chr16-9858518-G-A.
Other names: p.N961N:AAC>AAT; c.2883C>T, p.Asn961= (NM_000833.5, NM_001134408.2).
Identifiers: ClinVar variation 129194 (VCV000129194.70), dbSNP rs77705198, ClinGen allele CA288896.